The following is an entry in ClinVar:

NM_018076.5(ODAD2):c.689A>T (p.Glu230Val)

Gene: ODAD2 (outer dynein arm docking complex subunit 2; minus strand). Cytogenetic location: 10p12.1.
Variant type: single nucleotide variant.
Coding change: c.689A>T on transcript NM_018076.5 (MANE Select); coding-DNA position 689, A replaced by T.
Protein change: p.Glu230Val; replaces glutamic acid 230 with valine.
Molecular consequence: missense variant.
Genome position (GRCh38, 1-based): chr10:27,983,973, T>A on the plus strand (A>T on the coding strand, the complement: ODAD2 is on the minus strand). VCF-style: chr10-27983973-T-A. GRCh37 (hg19) VCF-style: chr10-28272902-T-A.
Other names: c.689A>T (NM_018076.2); c.689A>T, p.Glu230Val (NM_001290020.2); short protein forms E230V.
Identifiers: ClinVar variation 2176504 (VCV002176504.6), dbSNP rs2494380932, ClinGen allele CA376396249.

ClinVar aggregate classification (germline): Uncertain significance. Review status: criteria provided, multiple submitters, no conflicts (2 of 4 stars). 2 submissions from 2 submitters: Uncertain significance (2). Last evaluated 2023-04-28.

Conditions:
Primary ciliary dyskinesia 23 (CILD23). Also called: CILIARY DYSKINESIA, PRIMARY, 23, WITH OR WITHOUT SITUS INVERSUS. Identifiers: Orphanet 244, MedGen C3809548, MONDO:0014193, OMIM 615451.
Primary ciliary dyskinesia. Also called: Ciliary dyskinesia. Identifiers: Orphanet 244, MedGen C0008780, MONDO:0016575, HP:0012265.

gnomAD v4.1: 5 of 1,607,662 alleles (0.00031%); highest among the groups gnomAD compares: Non-Finnish European, 0.00042%; no homozygotes.

Submissions (2):

Ambry Genetics
Classification: Uncertain significance for Primary ciliary dyskinesia. Last evaluated: 2023-04-28. Review status: criteria provided, single submitter. Criteria: Ambry Variant Classification Scheme 2023. Collection method: clinical testing. Allele origin: germline.

Labcorp Genetics (formerly Invitae), Labcorp
Classification: Uncertain significance for Primary ciliary dyskinesia 23. Last evaluated: 2022-07-22. Review status: criteria provided, single submitter. Criteria: Invitae Variant Classification Sherloc (09022015). Collection method: clinical testing. Allele origin: germline.
Comment: In summary, the available evidence is currently insufficient to determine the role of this variant in disease. Therefore, it has been classified as a Variant of Uncertain Significance. Algorithms developed to predict the effect of missense changes on protein structure and function (SIFT, PolyPhen-2, Align-GVGD) all suggest that this variant is likely to be tolerated. This variant has not been reported in the literature in individuals affected with ARMC4-related conditions. This variant is not present in population databases (gnomAD no frequency). This sequence change replaces glutamic acid, which is acidic and polar, with valine, which is neutral and non-polar, at codon 230 of the ARMC4 protein (p.Glu230Val).